The following is an entry in ClinVar:

NM_001162501.2(TNRC6B):c.3505_3522del (p.Ser1169_Pro1174del)

Gene: TNRC6B (trinucleotide repeat containing adaptor 6B; plus strand). Cytogenetic location: 22q13.1.
Variant type: Deletion.
Coding change: c.3505_3522del on transcript NM_001162501.2 (MANE Select); coding-DNA positions 3505 to 3522, 18 bases deleted (TCTGGTTCCACACTACCC).
Protein change: p.Ser1169_Pro1174del.
Molecular consequence: intron variant (on NM_001024843.2).
Genome position (GRCh38, 1-based): chr22:40,281,212-40,281,229, TCTGGTTCCACACTACCC deleted; deleting any 18 consecutive bases within chr22:40,281,209-40,281,229 gives the same sequence; the c. name uses the placement nearest the transcript's 3' end. VCF-style (leftmost placement, unchanged base first): chr22-40281208-TCCCTCTGGTTCCACACTA-T. GRCh37 (hg19) VCF-style: chr22-40677212-TCCCTCTGGTTCCACACTA-T.
Other names: c.1170+1069_1170+1086del (NM_001024843.2); c.3252+1069_3252+1086del (NM_015088.3).
Identifiers: ClinVar variation 3572502 (VCV003572502.1).

ClinVar aggregate classification (germline): Uncertain significance (1 of 4 stars; one submission).

Submission:

GeneDx
Classification: Uncertain significance. Last evaluated: 2024-07-09. Review status: criteria provided, single submitter. Criteria: GeneDx Variant Classification Process June 2021. Collection method: clinical testing. Allele origin: germline. Affected: yes.
Comment: Not observed at significant frequency in large population cohorts (gnomAD); In-frame deletion of 6 amino acids in a non-repeat region; In silico analysis supports a deleterious effect on protein structure/function; Has not been previously published as pathogenic or benign to our knowledge